The following is an entry in ClinVar:

ClinVar aggregate classification (germline): Uncertain significance (1 of 4 stars; one submission).

Conditions:
Coffin-Siris syndrome 6. Identifiers: MedGen C4540499, MONDO:0033492, OMIM 617808.

Submission:

Juno Genomics, Hangzhou Juno Genomics, Inc
Classification: Uncertain significance for Coffin-Siris syndrome 6. Review status: criteria provided, single submitter. Criteria: ACMG Guidelines, 2015. Collection method: clinical testing. Allele origin: germline.
Comment: Absent from controls (or at extremely low frequency if recessive) in Genome Aggregation Database.;Missense variant in a gene that has a low rate of benign missense variation.

NM_152641.4(ARID2):c.320G>C (p.Gly107Ala)

Gene: ARID2 (AT-rich interaction domain 2; plus strand). Cytogenetic location: 12q12.
Variant type: single nucleotide variant.
Coding change: c.320G>C on transcript NM_152641.4 (MANE Select); coding-DNA position 320, G replaced by C.
Protein change: p.Gly107Ala; replaces glycine 107 with alanine.
Molecular consequence: missense variant.
Genome position (GRCh38, 1-based): chr12:45,811,453, G>C. VCF-style: chr12-45811453-G-C. GRCh37 (hg19) VCF-style: chr12-46205236-G-C.
Other names: c.320G>C, p.Gly107Ala (NM_001347839.2); short protein forms G107A.
Identifiers: ClinVar variation 5019234 (VCV005019234.2).